The following is an entry in ClinVar:

NM_000245.4(MET):c.2959C>T (p.Arg987Ter)

Gene: MET (MET proto-oncogene, receptor tyrosine kinase; plus strand). Cytogenetic location: 7q31.2.
Variant type: single nucleotide variant.
Coding change: c.2959C>T on transcript NM_000245.4 (MANE Select); coding-DNA position 2959, C replaced by T.
Protein change: p.Arg987Ter; replaces arginine 987 with a stop codon.
Molecular consequence: nonsense.
Genome position (GRCh38, 1-based): chr7:116,771,920, C>T. VCF-style: chr7-116771920-C-T. GRCh37 (hg19) VCF-style: chr7-116411974-C-T.
Other names: c.3013C>T (LRG_662t1); c.3013C>T, p.Arg1005Ter (NM_001127500.3); c.1669C>T, p.Arg557Ter (NM_001324402.2); short protein forms R1005*, R557*, R987*.
Identifiers: ClinVar variation 524891 (VCV000524891.7), dbSNP rs1554398397, ClinGen allele CA368987214.

ClinVar aggregate classification (germline): Uncertain significance. Review status: criteria provided, multiple submitters, no conflicts (2 of 4 stars). 2 submissions from 2 submitters: Uncertain significance (2). Last evaluated 2022-10-11.

Conditions:
Renal cell carcinoma. Identifiers: Orphanet 217071, MedGen C0007134, MeSH D002292, MONDO:0005086, HP:0005584.
Hereditary cancer-predisposing syndrome. Also called: Neoplastic Syndromes, Hereditary; Hereditary neoplastic syndrome; Tumor predisposition; Hereditary Cancer Syndrome. Identifiers: Orphanet 140162, MedGen C0027672, MeSH D009386, MONDO:0015356.

Allele frequency attached by ClinVar (database versions not stated): gnomAD exomes below 0.00001.
gnomAD v4.1: 2 of 1,613,804 alleles (0.00012%); highest among the groups gnomAD compares: Non-Finnish European, 0.00017%; no homozygotes.

Submissions (2):

Ambry Genetics
Classification: Uncertain significance for Hereditary cancer-predisposing syndrome. Last evaluated: 2022-10-11. Review status: criteria provided, single submitter. Criteria: Ambry Variant Classification Scheme 2023. Collection method: clinical testing. Allele origin: germline.
Comment: The p.R1005* variant (also known as c.3013C>T), located in coding exon 13 of the MET gene, results from a C to T substitution at nucleotide position 3013. This changes the amino acid from an arginine to a stop codon within coding exon 13. This alteration is expected to result in protein truncation or nonsense-mediated mRNA decay. However, loss of function of MET has not been established as a mechanism of disease. Since supporting evidence is limited at this time, the clinical significance of this alteration remains unclear.

Labcorp Genetics (formerly Invitae), Labcorp
Classification: Uncertain significance for Renal cell carcinoma. Last evaluated: 2019-07-15. Review status: criteria provided, single submitter. Criteria: Invitae Variant Classification Sherloc (09022015). Collection method: clinical testing. Allele origin: germline.
Comment: This sequence change creates a premature translational stop signal (p.Arg1005*) in the MET gene. It is expected to result in an absent or disrupted protein product. This variant is not present in population databases (ExAC no frequency). This variant has not been reported in the literature in individuals with MET-related disease. The current clinical and genetic evidence is not sufficient to establish whether loss-of-function variants in MET cause disease. In summary, the available evidence is currently insufficient to determine the role of this variant in disease. Therefore, it has been classified as a Variant of Uncertain Significance.